The following is an entry in ClinVar:

ClinVar aggregate classification (germline): Uncertain significance (1 of 4 stars; one submission).

gnomAD v4.1: 1 of 1,614,102 alleles (0.000062%); highest among the groups gnomAD compares: Non-Finnish European, 0.000085%; no homozygotes.

Submission:

Labcorp Genetics (formerly Invitae), Labcorp
Classification: Uncertain significance. Last evaluated: 2020-02-07. Review status: criteria provided, single submitter. Criteria: Invitae Variant Classification Sherloc (09022015). Collection method: clinical testing. Allele origin: germline.
Comment: This sequence change replaces phenylalanine with valine at codon 108 of the FLVCR1 protein (p.Phe108Val). The phenylalanine residue is moderately conserved and there is a small physicochemical difference between phenylalanine and valine. This variant is not present in population databases (ExAC no frequency). This variant has not been reported in the literature in individuals with FLVCR1-related conditions. Algorithms developed to predict the effect of missense changes on protein structure and function are either unavailable or do not agree on the potential impact of this missense change (SIFT: "Deleterious"; PolyPhen-2: "Possibly Damaging"; Align-GVGD: "Class C0"). In summary, the available evidence is currently insufficient to determine the role of this variant in disease. Therefore, it has been classified as a Variant of Uncertain Significance.

NM_014053.4(FLVCR1):c.322T>G (p.Phe108Val)

Gene: FLVCR1 (FLVCR choline and heme transporter 1; plus strand). Cytogenetic location: 1q32.3.
Variant type: single nucleotide variant.
Coding change: c.322T>G on transcript NM_014053.4 (MANE Select); coding-DNA position 322, T replaced by G.
Protein change: p.Phe108Val; replaces phenylalanine 108 with valine.
Molecular consequence: missense variant.
Genome position (GRCh38, 1-based): chr1:212,858,774, T>G. VCF-style: chr1-212858774-T-G. GRCh37 (hg19) VCF-style: chr1-213032116-T-G.
Other names: short protein forms F108V.
Identifiers: ClinVar variation 1053646 (VCV001053646.8), dbSNP rs1664120208, ClinGen allele CA344795801.